The following is an entry in ClinVar:

ClinVar aggregate classification (germline): Pathogenic/Likely pathogenic. Review status: criteria provided, multiple submitters, no conflicts (2 of 4 stars). 2 submissions from 2 submitters: Pathogenic (1); Likely pathogenic (1). Last evaluated 2025-07-29.

Conditions:
Arrhythmogenic right ventricular dysplasia 8 (ARVD8). Also called: Arrhythmogenic Right Ventricular Dysplasia/Cardiomyopathy 8; ARRHYTHMOGENIC RIGHT VENTRICULAR DYSPLASIA, FAMILIAL, 8; ARRHYTHMOGENIC RIGHT VENTRICULAR CARDIOMYOPATHY 8. Identifiers: MedGen C1843896, MONDO:0011831, OMIM 607450.
Cardiovascular phenotype. Identifiers: MedGen CN230736.

Submissions (2):

Ambry Genetics
Classification: Pathogenic for Cardiovascular phenotype. Last evaluated: 2025-07-29. Review status: criteria provided, single submitter. Criteria: Ambry Variant Classification Scheme 2023. Collection method: clinical testing. Allele origin: germline.
Comment: The c.7293_7296delAAGA pathogenic mutation, located in coding exon 24 of the DSP gene, results from a deletion of 4 nucleotides at nucleotide positions 7293 to 7296, causing a translational frameshift with a predicted alternate stop codon (p.E2431Dfs*15). This alteration occurs at the 3' terminus of theDSP gene, is not expected to trigger nonsense-mediated mRNA decay, and impacts the last 15% of the protein. However, premature stop codons are typically deleterious in nature and the impacted region is critical for protein function (Ambry internal data). This variant was reported in individual(s) with features consistent with (Gasperetti A et al. JACC Adv, 2024 Mar;3:100832). This variant is considered to be rare based on population cohorts in the Genome Aggregation Database (gnomAD). Based on the supporting evidence, this variant is interpreted as a disease-causing mutation.

New York Genome Center
Classification: Likely pathogenic for Arrhythmogenic right ventricular dysplasia 8. Last evaluated: 2022-11-09. Review status: criteria provided, single submitter. Criteria: NYGC Assertion Criteria 2020. Collection method: clinical testing. Allele origin: germline. Observed: 2 heterozygotes. Clinical features observed: Hyperlipidemia (HP:0003077).
Comment: The c.7293_7296del (p.Glu2431AspfsTer15) variant identified in the DSP gene is a deletion of 4 nucleotides between c.7293 and c.7296 and is predicted to lead to the frameshift of the protein at amino acid 2431/2872 (exon 24/24), resulting in the premature termination of the protein 15 aminoacids downstream. This variant is not predicted to result in nonsense mediated decay, but is predicted to lead to the loss of approximately 15% of the codingsequence of DSP. This variant is absent from population databases (gnomADv2.1.1, gnomADv3.1.2, BRAVO-TOPMed Freeze 8) suggesting it is not a common benign variant in the populations represented in those databases. This variant is absent from ClinVar and to our current knowledge has not been reported in affected individuals in the literature although many other nonsense and frameshift variants downstream of the p.Glu2431AspfsTer15 variant have been reported in individuals with arrhythmogenic cardiomyopathy or other cardiomyopathies [PMID:31514951, 33313835, 35083019, 27698334, others]. This variant is predicted to remove part ofthe C-terminal Plankin Repeat Domain (PRD-C) of DSP. Many frameshift and missense variants in the PRD-C domain have been reported in affected individuals [PMID:34033898, 28527814, others], and this domain is thought to modulate the association of DSP with desmin [PMID:30354334, 34343150, 34033898]. Given its deleterious nature, absence in population databases, and report of affected individuals with nonsense and frameshift variants downstream of the one identified here, the c.7293_7296del (p.Glu2431AspfsTer15) variant identified in the DSP gene is reported as Likely Pathogenic.

Literature cited by the submitters: PubMed 38938828 (cited by Ambry Genetics).

NM_004415.4(DSP):c.7293_7296del (p.Glu2431fs)

Gene: DSP (desmoplakin; plus strand). Cytogenetic location: 6p24.3.
Variant type: Microsatellite.
Coding change: c.7293_7296del on transcript NM_004415.4 (MANE Select); coding-DNA positions 7293 to 7296, 4 bases deleted (AAGA; older notation c.7293_7296delAAGA).
Protein change: p.Glu2431fs; shifts the reading frame from glutamic acid 2431.
Molecular consequence: frameshift variant.
Genome position (GRCh38, 1-based): chr6:7,584,555-7,584,558, AAGA deleted; deleting any 4 consecutive bases within chr6:7,584,550-7,584,558 gives the same sequence; the c. name uses the placement nearest the transcript's 3' end. VCF-style (leftmost placement, unchanged base first): chr6-7584549-AAAAG-A. GRCh37 (hg19) VCF-style: chr6-7584782-AAAAG-A.
Other names: c.5496_5499del, p.Glu1832fs (NM_001008844.3); c.5964_5967del, p.Glu1988fs (NM_001319034.2); c.7293_7296delAAGA (NM_004415.2); short protein forms E1988fs, E2431fs, E1832fs.
Identifiers: ClinVar variation 2502236 (VCV002502236.3), dbSNP rs2533944959, ClinGen allele CA913188238.